The following is an entry in ClinVar:

NM_000397.4(CYBB):c.1481A>G (p.His494Arg)

Gene: CYBB (cytochrome b-245 beta chain; plus strand). Cytogenetic location: Xp11.4.
Variant type: single nucleotide variant.
Coding change: c.1481A>G on transcript NM_000397.4 (MANE Select); coding-DNA position 1481, A replaced by G.
Protein change: p.His494Arg; replaces histidine 494 with arginine.
Molecular consequence: missense variant.
Genome position (GRCh38, 1-based): chrX:37,809,586, A>G. VCF-style: chrX-37809586-A-G. GRCh37 (hg19) VCF-style: chrX-37668839-A-G.
Other names: short protein forms H494R.
Identifiers: ClinVar variation 1510050 (VCV001510050.6), dbSNP rs2146821126, ClinGen allele CA412978376.

ClinVar aggregate classification (germline): Uncertain significance (1 of 4 stars; one submission).

Conditions:
Granulomatous disease, chronic, X-linked. Also called: GRANULOMATOUS DISEASE, CHRONIC, X-LINKED, SOMATIC MOSAIC; CYTOCHROME b-NEGATIVE GRANULOMATOUS DISEASE, CHRONIC, X-LINKED. Identifiers: Orphanet 379, MedGen C1844376, MONDO:0010600, OMIM 306400.

Submission:

Labcorp Genetics (formerly Invitae), Labcorp
Classification: Uncertain significance for Granulomatous disease, chronic, X-linked. Last evaluated: 2022-02-09. Review status: criteria provided, single submitter. Criteria: Invitae Variant Classification Sherloc (09022015). Collection method: clinical testing. Allele origin: germline.
Comment: This sequence change replaces histidine, which is basic and polar, with arginine, which is basic and polar, at codon 494 of the CYBB protein (p.His494Arg). This variant is not present in population databases (gnomAD no frequency). This variant has not been reported in the literature in individuals affected with CYBB-related conditions. Algorithms developed to predict the effect of missense changes on protein structure and function are either unavailable or do not agree on the potential impact of this missense change (SIFT: "Deleterious"; PolyPhen-2: "Benign"; Align-GVGD: "Class C0"). In summary, the available evidence is currently insufficient to determine the role of this variant in disease. Therefore, it has been classified as a Variant of Uncertain Significance.